The following is an entry in ClinVar:

ClinVar aggregate classification (germline): Pathogenic/Likely pathogenic. Review status: criteria provided, multiple submitters, no conflicts (2 of 4 stars). 3 submissions from 3 submitters: Pathogenic (1); Likely pathogenic (2). Last evaluated 2023-12-13.

Conditions:
Hereditary spastic paraplegia 35. Also called: Spastic paraplegia 35; SPASTIC PARAPLEGIA 35, AUTOSOMAL RECESSIVE, WITH OR WITHOUT NEURODEGENERATION; LEUKODYSTROPHY, DYSMYELINATING, AND SPASTIC PARAPARESIS WITH OR WITHOUT DYSTONIA; Spastic paraplegia 35, autosomal recessive. Identifiers: Orphanet 171629, MedGen C3496228, MONDO:0012866, OMIM 612319.

Submissions (3):

Diagnostics Services (NGS), CSIR - Centre For Cellular And Molecular Biology
Classification: Likely pathogenic for Hereditary spastic paraplegia 35. Last evaluated: 2023-12-13. Review status: criteria provided, single submitter. Criteria: ACMG Guidelines, 2015. Collection method: clinical testing. Allele origin: unknown. Affected: yes. Observed: 1 variant allele, 1 heterozygote.
Comment: The c.363+2T>C variant is not present in publicly available population databases like 1000 Genomes, EVS, ExAC, gnomAD, Indian Exome Database or our in-house exome database. This variant has neither been published in literature with FA2H-related conditions nor reported to the clinical databases like Human Genome Mutation Database (HGMD), ClinVar or OMIM, in any affected individuals. Algorithms developed to predict the effect of sequence changes on RNA splicing suggest that this variant can disrupt the consensus splice site. In-silico pathogenicity prediction programs like MutationTaster2, CADD, Varsome, Franklin, HSF3.1 etc predicted this variant to be likely deleterious by affecting mRNA splicing however these predictions were not confirmed by published translational studies.

Department of Medical Genetics, Sanjay Gandhi Post Graduate Institute of Medical Sciences
Classification: Pathogenic for Hereditary spastic paraplegia 35. Review status: criteria provided, single submitter. Criteria: ACMG Guidelines, 2015. Collection method: research. Allele origin: germline. Inheritance: Autosomal recessive inheritance. Affected: yes. Observed: 1 homozygote.
Comment: This variant has been previously reported in ClinVar (SCV004176729.1, SCV005042585.1).

Neuberg Centre For Genomic Medicine, NCGM
Classification: Likely pathogenic for Hereditary spastic paraplegia 35. Review status: criteria provided, single submitter. Criteria: ACMG Guidelines, 2015. Collection method: clinical testing. Allele origin: germline. Inheritance: Autosomal recessive inheritance. Affected: yes.
Comment: The splice donor c.363+2T>C variant in FA2H gene has not been reported previously as a pathogenic variant nor as a benign variant, to our knowledge. This variant is novel not in any individuals in gnomAD Exomes and 1000 Genomes. The variant affects the GT donor splice site downstream of exon 2. The spliceAI tool predicts that this splice site variant is damaging. This variant is predicted to cause loss of normal protein function through protein truncation. Loss of function variants have been previously reported to be disease causing. For these reasons, this variant has been classified as Likely Pathogenic.

NM_024306.5(FA2H):c.363+2T>C

Gene: FA2H (fatty acid 2-hydroxylase; minus strand). Cytogenetic location: 16q23.1.
Variant type: single nucleotide variant.
Coding change: c.363+2T>C on transcript NM_024306.5 (MANE Select); the canonical splice donor site of the intron after coding-DNA position 363, T replaced by C.
Molecular consequence: splice donor variant.
Genome position (GRCh38, 1-based): chr16:74,740,021, A>G on the plus strand (T>C on the coding strand, the complement: FA2H is on the minus strand). VCF-style: chr16-74740021-A-G. GRCh37 (hg19) VCF-style: chr16-74773919-A-G.
Identifiers: ClinVar variation 2671835 (VCV002671835.3), dbSNP rs2544344603, ClinGen allele CA396770290.